The following is an entry in ClinVar:

ClinVar aggregate classification (germline): Benign (1 of 4 stars; one submission).

Allele frequency attached by ClinVar (database versions not stated): 1000 Genomes Project 0.12320; 1000 Genomes Project 30x 0.12492; TOPMed 0.14646; gnomAD 0.15256 and 0.15529.
gnomAD v4.1: 22,508 of 147,164 alleles (15%); highest among the groups gnomAD compares: Non-Finnish European, 19%; 1,933 homozygotes.

Submission:

GeneDx
Classification: Benign. Last evaluated: 2018-06-16. Review status: criteria provided, single submitter. Criteria: GeneDx Variant Classification (06012015). Collection method: clinical testing. Allele origin: germline. Affected: yes.
Comment: This variant is considered likely benign or benign based on one or more of the following criteria: it is a conservative change, it occurs at a poorly conserved position in the protein, it is predicted to be benign by multiple in silico algorithms, and/or has population frequency not consistent with disease.

NM_002887.4(RARS1):c.370-302C>G

Gene: RARS1 (arginyl-tRNA synthetase 1; plus strand). Cytogenetic location: 5q34.
Variant type: single nucleotide variant.
Coding change: c.370-302C>G on transcript NM_002887.4 (MANE Select); 302 bases into the intron before coding-DNA position 370, C replaced by G.
Molecular consequence: intron variant.
Genome position (GRCh38, 1-based): chr5:168,493,592, C>G. VCF-style: chr5-168493592-C-G. GRCh37 (hg19) VCF-style: chr5-167920597-C-G.
Identifiers: ClinVar variation 669544 (VCV000669544.1), dbSNP rs9647571, ClinGen allele CA12041755.
Genomic context (GRCh38, chr5:168,493,592, plus strand): 5'-GGCTGAGGCAGGAGAATTGCTTGAACCCAGGGGCGGAGGTTACAGTGAGCCGAGATCACA[C>G]CACTGCACTCCAGCCTGGGCAACAGAGCGAGACTCCATCTCAAAAAAAAAAAAAAAAAAA-3'